The following is an entry in ClinVar:

NM_001375524.1(TRRAP):c.8230A>C (p.Ile2744Leu)

Gene: TRRAP (transformation/transcription domain associated protein; plus strand). Cytogenetic location: 7q22.1.
Variant type: single nucleotide variant.
Coding change: c.8230A>C on transcript NM_001375524.1 (MANE Select); coding-DNA position 8230, A replaced by C.
Protein change: p.Ile2744Leu; replaces isoleucine 2744 with leucine.
Molecular consequence: missense variant.
Genome position (GRCh38, 1-based): chr7:98,976,753, A>C. VCF-style: chr7-98976753-A-C. GRCh37 (hg19) VCF-style: chr7-98574376-A-C.
Other names: c.8209A>C, p.Ile2737Leu (NM_001244580.2); c.8155A>C, p.Ile2719Leu (NM_003496.4); short protein forms I2737L, I2744L, I2719L.
Identifiers: ClinVar variation 3462388 (VCV003462388.3).
Genomic context (GRCh38, chr7:98,976,753, plus strand): 5'-AAGGGTCTGAGTCTTCAGATTAAGCCGAAGCAAACAACGGAGTTTTATGAGCAGGAGAGC[A>C]TCACCCCGCCGCAGCAGGTGAGGGTGCGCCTCAGTTTGTTAATTACCTCTTCCCTGCCAG-3'
Protein context (NP_001362453.1, residues 2734-2754): QTTEFYEQES[Ile2744Leu]TPPQQEILDS

ClinVar aggregate classification (germline): Uncertain significance. Review status: criteria provided, multiple submitters, no conflicts (2 of 4 stars). 2 submissions from 2 submitters: Uncertain significance (2). Last evaluated 2024-10-01.

Conditions:
Inborn genetic diseases. Identifiers: MedGen C0950123, MeSH D030342.

gnomAD v4.1: 2 of 1,613,090 alleles (0.00012%); highest among the groups gnomAD compares: Admixed American, 0.0017%; no homozygotes.

Submissions (2):

Ambry Genetics
Classification: Uncertain significance for Inborn genetic diseases. Last evaluated: 2024-10-01. Review status: criteria provided, single submitter. Criteria: Ambry Variant Classification Scheme 2023. Collection method: clinical testing. Allele origin: germline.

Labcorp Genetics (formerly Invitae), Labcorp
Classification: Uncertain significance. Last evaluated: 2024-01-26. Review status: criteria provided, single submitter. Criteria: Invitae Variant Classification Sherloc (09022015). Collection method: clinical testing. Allele origin: germline.
Comment: This sequence change replaces isoleucine, which is neutral and non-polar, with leucine, which is neutral and non-polar, at codon 2719 of the TRRAP protein (p.Ile2719Leu). This variant is present in population databases (rs757065093, gnomAD 0.003%). This variant has not been reported in the literature in individuals affected with TRRAP-related conditions. Advanced modeling of protein sequence and biophysical properties (such as structural, functional, and spatial information, amino acid conservation, physicochemical variation, residue mobility, and thermodynamic stability) performed at Invitae indicates that this missense variant is not expected to disrupt TRRAP protein function with a negative predictive value of 80%. In summary, the available evidence is currently insufficient to determine the role of this variant in disease. Therefore, it has been classified as a Variant of Uncertain Significance.